The following is an entry in ClinVar:

ClinVar aggregate classification (germline): Benign/Likely benign. Review status: criteria provided, multiple submitters, no conflicts (2 of 4 stars). 21 submissions from 21 submitters: Benign (3); Likely benign (15). 3 of the submissions do not count toward it. Last evaluated 2026-09-30.

Conditions:
Inherited polyposis and early onset colorectal cancer - germline testing.
Hereditary nonpolyposis colorectal neoplasms. Identifiers: MedGen C0009405, MeSH D003123.
Lynch syndrome 4 (LYNCH4). Also called: Colorectal cancer, hereditary nonpolyposis, type 4; Hereditary non-polyposis colorectal cancer, type 4. Identifiers: Orphanet 144, MedGen C1838333, MONDO:0013699, OMIM 614337. Disease mechanism: loss of function.
Mismatch repair cancer syndrome 4. Identifiers: MedGen C5436817, MONDO:0030843, OMIM 619101.
Hereditary cancer-predisposing syndrome. Also called: Hereditary neoplastic syndrome; Neoplastic Syndromes, Hereditary; Tumor predisposition; Hereditary Cancer Syndrome. Identifiers: Orphanet 140162, MedGen C0027672, MeSH D009386, MONDO:0015356.
Breast and/or ovarian cancer. Identifiers: MedGen CN221562.
Lynch syndrome. Identifiers: Orphanet 144, MedGen C4552100, MONDO:0005835. Disease mechanism: loss of function.

Allele frequency attached by ClinVar (database versions not stated): ExAC 0.00011; gnomAD exomes 0.00012 and 0.00023; TOPMed 0.00013; gnomAD 0.00014 and 0.00015.
gnomAD v4.1: 350 of 1,614,078 alleles (0.022%); highest among the groups gnomAD compares: Non-Finnish European, 0.029%; no homozygotes.

Submissions (21):

Cambridge Genomics Laboratory, East Genomic Laboratory Hub, NHS Genomic Medicine Service
Classification: Likely benign for Inherited polyposis and early onset colorectal cancer - germline testing. Last evaluated: 2026-09-30. Review status: criteria provided, single submitter. Criteria: ACGS Best Practice Guidelines for Variant Classification in Rare Disease 2020. Collection method: clinical testing. Allele origin: germline. Affected: yes.
Comment: BP4,BP7

Labcorp Genetics (formerly Invitae), Labcorp
Classification: Likely benign for Hereditary nonpolyposis colorectal neoplasms. Last evaluated: 2026-02-03. Review status: criteria provided, single submitter. Criteria: Invitae Variant Classification Sherloc (09022015). Collection method: clinical testing. Allele origin: germline.

CeGaT Center for Human Genetics Tuebingen
Classification: Likely benign. Last evaluated: 2025-12-01. Review status: criteria provided, single submitter. Criteria: CeGaT Center For Human Genetics Tuebingen Variant Classification Criteria Version 2. Collection method: clinical testing. Allele origin: germline. Affected: yes. Observed: 1 variant allele.
Comment: PMS2: BP4, BP7

ARUP Laboratories, Molecular Genetics and Genomics, ARUP Laboratories
Classification: Likely benign. Last evaluated: 2025-07-30. Review status: criteria provided, single submitter. Criteria: ARUP Molecular Germline Variant Investigation Process 2024. Collection method: clinical testing. Allele origin: germline.

Center for Genomic Medicine, Rigshospitalet, Copenhagen University Hospital
Classification: Likely benign. Last evaluated: 2025-03-04. Review status: criteria provided, single submitter. Criteria: ACMG Guidelines, 2015. Collection method: clinical testing. Allele origin: germline.

Myriad Genetics, Inc.
Classification: Benign for Lynch syndrome 4. Last evaluated: 2025-01-30. Review status: criteria provided, single submitter. Criteria: Myriad Autosomal Dominant, Autosomal Recessive and X-Linked Classification Criteria (2023). Collection method: clinical testing. Allele origin: unknown.
Comment: This variant is considered benign. This variant is a silent/synonymous amino acid change and it is not expected to impact splicing.

All of Us Research Program, National Institutes of Health
Classification: Likely benign for Lynch syndrome. Last evaluated: 2024-02-05. Review status: criteria provided, single submitter. Criteria: ACMG Guidelines, 2015. Collection method: clinical testing. Allele origin: germline. Inheritance: Autosomal dominant inheritance. Observed: 38 variant alleles, 38 heterozygotes.
Comment: This study involves interpretation of variants in research participants for the purpose of population health screening. Participant phenotype was not available at the time of variant classification. Additional details can be found in publication PMID: 35346344, PMCID: PMC8962531

Blueprint Genetics
Classification: Likely benign. Last evaluated: 2023-09-08. Review status: criteria provided, single submitter. Criteria: ACMG Guidelines, 2015. Collection method: clinical testing. Allele origin: germline.

CHEO Genetics Diagnostic Laboratory, Children's Hospital of Eastern Ontario
Classification: Likely benign for Breast and/or ovarian cancer. Last evaluated: 2023-05-23. Review status: criteria provided, single submitter. Criteria: ACMG Guidelines, 2015. Collection method: clinical testing. Allele origin: germline.

Quest Diagnostics Nichols Institute San Juan Capistrano
Classification: Likely benign. Last evaluated: 2022-08-03. Review status: criteria provided, single submitter. Criteria: Quest Diagnostics criteria. Collection method: clinical testing. Allele origin: unknown.

Department of Pathology and Laboratory Medicine, Sinai Health System
Classification: Likely benign for Lynch syndrome. Last evaluated: 2022-02-11. Review status: criteria provided, single submitter. Criteria: ACMG Guidelines, 2015. Collection method: clinical testing. Allele origin: germline. Affected: yes.

Fulgent Genetics
Classification: Likely benign for Lynch syndrome 4; Mismatch repair cancer syndrome 4. Last evaluated: 2021-08-12. Review status: criteria provided, single submitter. Criteria: ACMG Guidelines, 2015. Collection method: clinical testing. Allele origin: unknown.

Sema4
Classification: Likely benign for Hereditary cancer-predisposing syndrome. Last evaluated: 2021-04-29. Review status: criteria provided, single submitter. Criteria: Sema4 Curation Guidelines. Collection method: curation. Allele origin: germline.

Women's Health and Genetics/Laboratory Corporation of America, LabCorp
Classification: Benign. Last evaluated: 2020-01-16. Review status: criteria provided, single submitter. Criteria: LabCorp Variant Classification Summary - May 2015. Collection method: clinical testing. Allele origin: germline.

PreventionGenetics, part of Exact Sciences
Classification: Likely benign. Last evaluated: 2017-09-15. Review status: criteria provided, single submitter. Criteria: ACMG Guidelines, 2015. Collection method: clinical testing. Allele origin: germline.

Color Diagnostics, LLC DBA Color Health
Classification: Likely benign for Hereditary cancer-predisposing syndrome. Last evaluated: 2015-06-15. Review status: criteria provided, single submitter. Criteria: ACMG Guidelines, 2015. Collection method: clinical testing. Allele origin: germline.

GeneDx
Classification: Benign. Last evaluated: 2015-03-03. Review status: criteria provided, single submitter. Criteria: GeneDx Variant Classification Process June 2021. Collection method: clinical testing. Allele origin: germline. Affected: yes.
Comment: This variant is associated with the following publications: (PMID: 31992580)

Ambry Genetics
Classification: Likely benign for Hereditary cancer-predisposing syndrome. Last evaluated: 2014-07-03. Review status: criteria provided, single submitter. Criteria: Ambry Variant Classification Scheme 2023. Collection method: clinical testing. Allele origin: germline.

True Health Diagnostics
Classification: Likely benign for Hereditary cancer-predisposing syndrome. Last evaluated: 2018-11-12. Review status: no assertion criteria provided. Collection method: clinical testing. Allele origin: germline. Not counted in ClinVar's aggregate classification.

Diagnostic Laboratory, Department of Genetics, University Medical Center Groningen
Classification: Likely benign. Review status: no assertion criteria provided. Collection method: clinical testing. Allele origin: germline. Affected: yes. Study: VKGL Data-share Consensus. Not counted in ClinVar's aggregate classification.

Joint Genome Diagnostic Labs from Nijmegen and Maastricht, Radboudumc and MUMC+
Classification: Likely benign. Review status: no assertion criteria provided. Collection method: clinical testing. Allele origin: germline. Affected: yes. Study: VKGL Data-share Consensus. Not counted in ClinVar's aggregate classification.

Literature cited by the submitters: PubMed 20205264 (cited by Quest Diagnostics Nichols Institute San Juan Capistrano and Sema4); PubMed 31992580 (cited by Quest Diagnostics Nichols Institute San Juan Capistrano and Sema4).

NM_000535.7(PMS2):c.1467G>A (p.Glu489=)

Gene: PMS2 (PMS1 homolog 2, mismatch repair system component; minus strand). Cytogenetic location: 7p22.1.
Variant type: single nucleotide variant.
Coding change: c.1467G>A on transcript NM_000535.7 (MANE Select); coding-DNA position 1467, G replaced by A.
Protein change: p.Glu489=; no amino-acid change (glutamic acid 489 retained).
Molecular consequence: synonymous variant. On other transcripts: non-coding transcript variant (1).
Genome position (GRCh38, 1-based): chr7:5,987,298, C>T on the plus strand (G>A on the coding strand, the complement: PMS2 is on the minus strand). VCF-style: chr7-5987298-C-T. GRCh37 (hg19) VCF-style: chr7-6026929-C-T.
Other names: c.1062G>A, p.Glu354= (NM_001322003.2, NM_001322004.2, NM_001322005.2 and 1 more transcripts); c.1311G>A, p.Glu437= (NM_001322006.2); c.1149G>A, p.Glu383= (NM_001322007.2, NM_001322008.2); c.906G>A, p.Glu302= (NM_001322010.2); c.534G>A, p.Glu178= (NM_001322011.2, NM_001322012.2); c.894G>A, p.Glu298= (NM_001322013.2); c.1467G>A, p.Glu489= (NM_001322014.2); c.1158G>A, p.Glu386= (NM_001322015.2).
Identifiers: ClinVar variation 135938 (VCV000135938.44), dbSNP rs542522853, ClinGen allele CA009715.